The following is an entry in ClinVar:

NM_001126108.2(SLC12A3):c.1539C>T (p.Tyr513=)

Gene: SLC12A3 (solute carrier family 12 member 3; plus strand). Cytogenetic location: 16q13.
Variant type: single nucleotide variant.
Coding change: c.1539C>T on transcript NM_001126108.2 (MANE Select); coding-DNA position 1539, C replaced by T.
Protein change: p.Tyr513=; no amino-acid change (tyrosine 513 retained).
Molecular consequence: synonymous variant.
Genome position (GRCh38, 1-based): chr16:56,880,225, C>T. VCF-style: chr16-56880225-C-T. GRCh37 (hg19) VCF-style: chr16-56914137-C-T.
Other names: c.1539C>T, p.Tyr513= (NM_000339.3); c.1536C>T, p.Tyr512= (NM_001126107.2).
Identifiers: ClinVar variation 445816 (VCV000445816.22), dbSNP rs146805986, ClinGen allele CA8069510.
Genomic context (GRCh38, chr16:56,880,225, plus strand): 5'-CTTCTTCGGCAAAGGCTATGGCAAGAACAAGGAGCCCGTGCGTGGCTACCTGCTGGCCTA[C>T]GCCATCGCTGTGGCCTTCATCATCATCGGTAAGGCTCTGCCAGGGCTCACAGGGCCTGGC-3'
Protein context (NP_001119580.2, residues 503-523): KEPVRGYLLA[Tyr513=]AIAVAFIIIA

ClinVar aggregate classification (germline): Benign/Likely benign. Review status: criteria provided, multiple submitters, no conflicts (2 of 4 stars). 7 submissions from 7 submitters: Benign (4); Likely benign (2). 1 of the submissions does not count toward it. Last evaluated 2026-01-31.

Conditions:
Familial hypokalemia-hypomagnesemia (GTLMNS). Also called: HYPOMAGNESEMIA-HYPOKALEMIA, PRIMARY RENOTUBULAR, WITH HYPOCALCIURIA; POTASSIUM AND MAGNESIUM DEPLETION; gitelman syndrome. Identifiers: Orphanet 358, MedGen C0268450, MONDO:0009904, OMIM 263800.

Allele frequency attached by ClinVar (database versions not stated): gnomAD exomes 0.00066 and 0.00131; ExAC 0.00332; gnomAD 0.00544 and 0.00597; 1000 Genomes Project 0.00559; 1000 Genomes Project 30x 0.00578; TOPMed 0.00610; ESP Exome Variant Server 0.00777.
gnomAD v4.1: 1,805 of 1,586,306 alleles (0.11%); highest among the groups gnomAD compares: African/African-American, 1.9%; 24 homozygotes.

Submissions (7):

Labcorp Genetics (formerly Invitae), Labcorp
Classification: Benign. Last evaluated: 2026-01-31. Review status: criteria provided, single submitter. Criteria: Invitae Variant Classification Sherloc (09022015). Collection method: clinical testing. Allele origin: germline.

Genome-Nilou Lab
Classification: Benign for Familial hypokalemia-hypomagnesemia. Last evaluated: 2021-07-15. Review status: criteria provided, single submitter. Criteria: ACMG Guidelines, 2015. Collection method: clinical testing. Allele origin: germline. Affected: no.

Illumina Laboratory Services, Illumina
Classification: Benign for Familial hypokalemia-hypomagnesemia. Last evaluated: 2017-04-28. Review status: criteria provided, single submitter. Criteria: ICSL Variant Classification Criteria 13 December 2019. Collection method: clinical testing. Allele origin: germline.
Comment: This variant was observed as part of a predisposition screen in an ostensibly healthy population. A literature search was performed for the gene, cDNA change, and amino acid change (where applicable). Publications were found based on this search. The evidence from the literature, in combination with allele frequency data from public databases where available, was sufficient to rule this variant out of causing disease. Therefore, this variant is classified as benign.

Center for Pediatric Genomic Medicine, Children's Mercy Hospital and Clinics
Classification: Likely benign. Last evaluated: 2017-02-27. Review status: criteria provided, single submitter. Criteria: ACMG Guidelines, 2015. Collection method: clinical testing. Allele origin: germline.

Athena Diagnostics
Classification: Benign. Last evaluated: 2016-10-07. Review status: criteria provided, single submitter. Criteria: Athena Diagnostics Criteria. Collection method: clinical testing. Allele origin: germline.

Breakthrough Genomics
Classification: Likely benign. Review status: criteria provided, single submitter. Criteria: ACMG Guidelines, 2015. Collection method: not provided. Allele origin: germline. Inheritance: Autosomal recessive inheritance. Affected: yes.

Natera, Inc.
Classification: Benign for Gitelman syndrome. Last evaluated: 2019-12-06. Review status: no assertion criteria provided. Collection method: clinical testing. Allele origin: germline. Not counted in ClinVar's aggregate classification.

Literature cited by the submitters: PubMed 21415153 (cited by Illumina Laboratory Services, Illumina); PubMed 20675610 (cited by Illumina Laboratory Services, Illumina).